The following is an entry in ClinVar:

NM_001358921.2(COQ2):c.377G>A (p.Gly126Asp)

Gene: COQ2 (coenzyme Q2, polyprenyltransferase; minus strand). Cytogenetic location: 4q21.23.
Variant type: single nucleotide variant.
Coding change: c.377G>A on transcript NM_001358921.2 (MANE Select); coding-DNA position 377, G replaced by A.
Protein change: p.Gly126Asp; replaces glycine 126 with aspartic acid.
Molecular consequence: missense variant.
Genome position (GRCh38, 1-based): chr4:83,278,991, C>T on the plus strand (G>A on the coding strand, the complement: COQ2 is on the minus strand). VCF-style: chr4-83278991-C-T. GRCh37 (hg19) VCF-style: chr4-84200144-C-T.
Other names: c.527G>A, p.Gly176Asp (NM_015697.9); short protein forms G126D, G176D.
Identifiers: ClinVar variation 1999936 (VCV001999936.4), dbSNP rs2529770224, ClinGen allele CA357230501.

ClinVar aggregate classification (germline): Uncertain significance (1 of 4 stars; one submission).

Submission:

Labcorp Genetics (formerly Invitae), Labcorp
Classification: Uncertain significance. Last evaluated: 2023-08-04. Review status: criteria provided, single submitter. Criteria: Invitae Variant Classification Sherloc (09022015). Collection method: clinical testing. Allele origin: germline.
Comment: This sequence change replaces glycine, which is neutral and non-polar, with aspartic acid, which is acidic and polar, at codon 176 of the COQ2 protein (p.Gly176Asp). This variant is not present in population databases (gnomAD no frequency). This variant has not been reported in the literature in individuals affected with COQ2-related conditions. ClinVar contains an entry for this variant (Variation ID: 1999936). In summary, the available evidence is currently insufficient to determine the role of this variant in disease. Therefore, it has been classified as a Variant of Uncertain Significance. Advanced modeling of protein sequence and biophysical properties (such as structural, functional, and spatial information, amino acid conservation, physicochemical variation, residue mobility, and thermodynamic stability) performed at Invitae indicates that this missense variant is expected to disrupt COQ2 protein function.